The following is an entry in ClinVar:

NM_004663.5(RAB11A):c.83T>C (p.Leu28Pro)

Gene: RAB11A (RAB11A, member RAS oncogene family; plus strand). Cytogenetic location: 15q22.31.
Variant type: single nucleotide variant.
Coding change: c.83T>C on transcript NM_004663.5 (MANE Select); coding-DNA position 83, T replaced by C.
Protein change: p.Leu28Pro; replaces leucine 28 with proline.
Molecular consequence: missense variant.
Genome position (GRCh38, 1-based): chr15:65,877,374, T>C. VCF-style: chr15-65877374-T-C. GRCh37 (hg19) VCF-style: chr15-66169712-T-C.
Other names: c.83T>C, p.Leu28Pro (NM_001206836.2); short protein forms L28P.
Identifiers: ClinVar variation 4537701 (VCV004537701.1).

ClinVar aggregate classification (germline): Uncertain significance (1 of 4 stars; one submission).

Submission:

GeneDx
Classification: Uncertain significance. Last evaluated: 2025-06-12. Review status: criteria provided, single submitter. Criteria: GeneDx Variant Classification Process June 2021. Collection method: clinical testing. Allele origin: germline. Affected: yes.
Comment: Not observed at significant frequency in large population cohorts (gnomAD); In silico analysis supports that this missense variant has a deleterious effect on protein structure/function; Has not been previously published as pathogenic or benign to our knowledge